The following is an entry in ClinVar:

ClinVar aggregate classification (germline): Likely benign (1 of 4 stars; one submission).

Conditions:
SLC26A1-related disorder. Also called: SLC26A1-related condition.

gnomAD v4.1: 378 of 1,534,354 alleles (0.025%); highest among the groups gnomAD compares: Non-Finnish European, 0.029%; no homozygotes.

Submission:

PreventionGenetics, part of Exact Sciences
Classification: Likely benign for SLC26A1-related condition. Last evaluated: 2026-05-21. Review status: criteria provided, single submitter. Criteria: ACMG Guidelines, 2015. Collection method: clinical testing. Allele origin: germline.
Comment: This variant is classified as likely benign based on ACMG/AMP sequence variant interpretation guidelines (Richards et al. 2015 PMID: 25741868, with internal and published modifications).

NM_022042.4(SLC26A1):c.-9C>T

Genes: IDUA (alpha-L-iduronidase; plus strand), SLC26A1 (solute carrier family 26 member 1; minus strand). Cytogenetic location: 4p16.3.
Variant type: single nucleotide variant.
Coding change: c.-9C>T on transcript NM_022042.4 (MANE Select); 9 bases upstream of the start codon, C replaced by T.
Molecular consequence: 5 prime UTR variant. On other transcripts: intron variant (1).
Genome position (GRCh38, 1-based): chr4:991,712, G>A on the plus strand (C>T on the coding strand, the complement: SLC26A1 is on the minus strand). VCF-style: chr4-991712-G-A. GRCh37 (hg19) VCF-style: chr4-985500-G-A.
Other names: c.-9C>T (NM_134425.4, NM_213613.4); c.299+3763G>A (NM_000203.5).
Identifiers: ClinVar variation 4990438 (VCV004990438.1).